The following is an entry in ClinVar:

ClinVar aggregate classification (germline): Uncertain significance (1 of 4 stars; one submission).

Allele frequency attached by ClinVar (database versions not stated): gnomAD exomes 0.00001 and 0.00005; ExAC 0.00011; 1000 Genomes Project 0.00020; gnomAD 0.00029; TOPMed 0.00032; ESP Exome Variant Server 0.00069.
gnomAD v4.1: 66 of 1,584,442 alleles (0.0042%); highest among the groups gnomAD compares: African/African-American, 0.084%; no homozygotes.

Submission:

Labcorp Genetics (formerly Invitae), Labcorp
Classification: Uncertain significance. Last evaluated: 2022-08-16. Review status: criteria provided, single submitter. Criteria: Invitae Variant Classification Sherloc (09022015). Collection method: clinical testing. Allele origin: germline.
Comment: This sequence change replaces alanine, which is neutral and non-polar, with threonine, which is neutral and polar, at codon 232 of the DGAT1 protein (p.Ala232Thr). This variant is present in population databases (rs140478833, gnomAD 0.1%). This variant has not been reported in the literature in individuals affected with DGAT1-related conditions. ClinVar contains an entry for this variant (Variation ID: 1351856). Algorithms developed to predict the effect of missense changes on protein structure and function (SIFT, PolyPhen-2, Align-GVGD) all suggest that this variant is likely to be tolerated. In summary, the available evidence is currently insufficient to determine the role of this variant in disease. Therefore, it has been classified as a Variant of Uncertain Significance.

NM_012079.6(DGAT1):c.694G>A (p.Ala232Thr)

Gene: DGAT1 (diacylglycerol O-acyltransferase 1; minus strand). Cytogenetic location: 8q24.3.
Variant type: single nucleotide variant.
Coding change: c.694G>A on transcript NM_012079.6 (MANE Select); coding-DNA position 694, G replaced by A.
Protein change: p.Ala232Thr; replaces alanine 232 with threonine.
Molecular consequence: missense variant.
Genome position (GRCh38, 1-based): chr8:144,318,152, C>T on the plus strand (G>A on the coding strand, the complement: DGAT1 is on the minus strand). VCF-style: chr8-144318152-C-T. GRCh37 (hg19) VCF-style: chr8-145541815-C-T.
Other names: short protein forms A232T.
Identifiers: ClinVar variation 1351856 (VCV001351856.5), dbSNP rs140478833, ClinGen allele CA4936891.